The following is an entry in ClinVar:

ClinVar aggregate classification (germline): Likely benign. Review status: criteria provided, multiple submitters, no conflicts (2 of 4 stars). 2 submissions from 2 submitters: Likely benign (2). Last evaluated 2025-03-18.

Conditions:
Bardet-Biedl syndrome (BBS). Identifiers: Orphanet 110, MedGen C0752166, MONDO:0015229.
BBS2-related disorder. Also called: BBS2-related disorders; BBS2-related condition. Identifiers: MedGen CN239228.

gnomAD v4.1: 16 of 1,614,006 alleles (0.00099%); highest among the groups gnomAD compares: African/African-American, 0.0027%; no homozygotes.

Submissions (2):

PreventionGenetics, part of Exact Sciences
Classification: Likely benign for BBS2-related condition. Last evaluated: 2025-03-18. Review status: criteria provided, single submitter. Criteria: ACMG Guidelines, 2015. Collection method: clinical testing. Allele origin: germline.
Comment: This variant is classified as likely benign based on ACMG/AMP sequence variant interpretation guidelines (Richards et al. 2015 PMID: 25741868, with internal and published modifications).

Labcorp Genetics (formerly Invitae), Labcorp
Classification: Likely benign for Bardet-Biedl syndrome. Last evaluated: 2023-08-02. Review status: criteria provided, single submitter. Criteria: Invitae Variant Classification Sherloc (09022015). Collection method: clinical testing. Allele origin: germline.

NM_031885.5(BBS2):c.941-8C>T

Gene: BBS2 (Bardet-Biedl syndrome 2; minus strand). Cytogenetic location: 16q13.
Variant type: single nucleotide variant.
Coding change: c.941-8C>T on transcript NM_031885.5 (MANE Select); 8 bases into the intron before coding-DNA position 941, C replaced by T.
Molecular consequence: intron variant.
Genome position (GRCh38, 1-based): chr16:56,502,464, G>A on the plus strand (C>T on the coding strand, the complement: BBS2 is on the minus strand). VCF-style: chr16-56502464-G-A. GRCh37 (hg19) VCF-style: chr16-56536376-G-A.
Other names: c.941-8C>T (NM_001377456.1, NM_031885.3).
Identifiers: ClinVar variation 1092112 (VCV001092112.10), dbSNP rs373354290, ClinGen allele CA8065862.